The following is an entry in ClinVar:

NM_003384.3(VRK1):c.683C>T (p.Thr228Met)

Gene: VRK1 (VRK serine/threonine kinase 1; plus strand). Cytogenetic location: 14q32.2.
Variant type: single nucleotide variant.
Coding change: c.683C>T on transcript NM_003384.3 (MANE Select); coding-DNA position 683, C replaced by T.
Protein change: p.Thr228Met; replaces threonine 228 with methionine.
Molecular consequence: missense variant.
Genome position (GRCh38, 1-based): chr14:96,855,330, C>T. VCF-style: chr14-96855330-C-T. GRCh37 (hg19) VCF-style: chr14-97321667-C-T.
Other names: short protein forms T228M.
Identifiers: ClinVar variation 651537 (VCV000651537.11), dbSNP rs146113610, ClinGen allele CA7339046.

ClinVar aggregate classification (germline): Conflicting classifications of pathogenicity. Review status: criteria provided, conflicting classifications (1 of 4 stars). 7 submissions from 7 submitters: Likely pathogenic (1); Uncertain significance (5). 1 of the submissions does not count toward it. Last evaluated 2025-05-22.

Conditions:
Inborn genetic diseases. Identifiers: MedGen C0950123, MeSH D030342.
VRK1-related disorder. Also called: VRK1-related condition.
Pontocerebellar hypoplasia type 1A (PCH1A). Also called: PONTOCEREBELLAR HYPOPLASIA WITH ANTERIOR HORN CELL DISEASE; PONTOCEREBELLAR HYPOPLASIA WITH INFANTILE SPINAL MUSCULAR ATROPHY. Identifiers: Orphanet 2254, Orphanet 88616, MedGen C1843504, MONDO:0011866, OMIM 607596.
Hereditary breast ovarian cancer syndrome. Also called: Hereditary breast and ovarian cancer syndrome (HBOC); Hereditary breast and ovarian cancer; Hereditary breast and ovarian cancer syndrome; Hereditary breast and/or ovarian cancer syndrome; BRCA1- and BRCA2-Associated Hereditary Breast and Ovarian Cancer; Breast and ovarian cancer. Identifiers: Orphanet 145, MedGen C0677776, MeSH D061325, MONDO:0003582. Disease mechanism: loss of function.

Allele frequency attached by ClinVar (database versions not stated): gnomAD 0.00004; TOPMed 0.00005; ExAC 0.00006; gnomAD exomes 0.00006 and 0.00007; ESP Exome Variant Server 0.00015.
gnomAD v4.1: 115 of 1,613,892 alleles (0.0071%); highest among the groups gnomAD compares: Non-Finnish European, 0.0083%; no homozygotes.

Submissions (7):

PreventionGenetics, part of Exact Sciences
Classification: Uncertain significance for VRK1-related condition. Last evaluated: 2025-05-22. Review status: criteria provided, single submitter. Criteria: ACMG Guidelines, 2015. Collection method: clinical testing. Allele origin: germline.
Comment: The VRK1 c.683C>T variant is predicted to result in the amino acid substitution p.Thr228Met. This variant was reported with a VRK1 nonsense variant in a patient with distal hereditary motor neuropathy (El-Bazzal et al. 2019. PubMed ID: 31090908). This variant is reported in 0.0088% of alleles in individuals of European (Non-Finnish) descent in gnomAD. At this time, the clinical significance of this variant is uncertain due to the absence of conclusive functional and genetic evidence.

Ambry Genetics
Classification: Uncertain significance for Inborn genetic diseases. Last evaluated: 2024-01-11. Review status: criteria provided, single submitter. Criteria: Ambry Variant Classification Scheme 2023. Collection method: clinical testing. Allele origin: germline.

GeneDx
Classification: Uncertain significance. Last evaluated: 2023-10-12. Review status: criteria provided, single submitter. Criteria: GeneDx Variant Classification Process June 2021. Collection method: clinical testing. Allele origin: germline. Affected: yes.
Comment: Not observed at significant frequency in large population cohorts (gnomAD); Missense variants in this gene are a common cause of disease and they are underrepresented in the general population; In silico analysis supports that this missense variant has a deleterious effect on protein structure/function; This variant is associated with the following publications: (PMID: 31090908, 33326660)

Women's Health and Genetics/Laboratory Corporation of America, LabCorp
Classification: Uncertain significance. Last evaluated: 2023-03-10. Review status: criteria provided, single submitter. Criteria: LabCorp Variant Classification Summary - May 2015. Collection method: clinical testing. Allele origin: germline.
Comment: Variant summary: VRK1 c.683C>T (p.Thr228Met) results in a non-conservative amino acid change located in the protein kinase domain (IPR000719) of the encoded protein sequence. Four of five in-silico tools predict a damaging effect of the variant on protein function. The variant allele was found at a frequency of 5.6e-05 in 251366 control chromosomes (gnomAD). This frequency is not significantly higher than estimated for a pathogenic variant in VRK1 causing Pontocerebellar Hypoplasia, Type 1A (5.6e-05 vs 0.0011), allowing no conclusion about variant significance. c.683C>T has been reported in the literature in an individual affected with a slowly progressive distal motor neuropathy (El-Bazzal_2019). This report does not provide unequivocal conclusions about association of the variant with Pontocerebellar Hypoplasia, Type 1A. To our knowledge, no experimental evidence demonstrating an impact on protein function has been reported. Three submitters have provided clinical-significance assessments for this variant to ClinVar after 2014 and classified the variant as VUS (n=2) and likely pathogenic (n=1). Based on the evidence outlined above, the variant was classified as uncertain significance.

Labcorp Genetics (formerly Invitae), Labcorp
Classification: Uncertain significance for Pontocerebellar hypoplasia type 1A. Last evaluated: 2022-03-11. Review status: criteria provided, single submitter. Criteria: Invitae Variant Classification Sherloc (09022015). Collection method: clinical testing. Allele origin: germline.
Comment: This sequence change replaces threonine, which is neutral and polar, with methionine, which is neutral and non-polar, at codon 228 of the VRK1 protein (p.Thr228Met). This variant is present in population databases (rs146113610, gnomAD 0.009%). This missense change has been observed in individual(s) with VRK1-related conditions (PMID: 31090908). ClinVar contains an entry for this variant (Variation ID: 651537). Algorithms developed to predict the effect of missense changes on protein structure and function (SIFT, PolyPhen-2, Align-GVGD) all suggest that this variant is likely to be disruptive. In summary, the available evidence is currently insufficient to determine the role of this variant in disease. Therefore, it has been classified as a Variant of Uncertain Significance.

Molecular Oncology Research Center, Barretos Cancer Hospital
Classification: Likely pathogenic for Hereditary breast ovarian cancer syndrome. Last evaluated: 2020-08-01. Review status: criteria provided, single submitter. Criteria: ACMG Guidelines, 2015. Collection method: research. Allele origin: germline. Affected: yes. Observed: 1 variant allele.

Natera, Inc.
Classification: Uncertain significance for Pontocerebellar hypoplasia, type 1a. Last evaluated: 2020-02-12. Review status: no assertion criteria provided. Collection method: clinical testing. Allele origin: germline. Not counted in ClinVar's aggregate classification.

Literature cited by the submitters: PubMed 31090908 (cited by Women's Health and Genetics/Laboratory Corporation of America, LabCorp and Labcorp Genetics (formerly Invitae), Labcorp).